The following is an entry in ClinVar:

NM_015001.3(SPEN):c.1674C>T (p.Leu558=)

Gene: SPEN (spen family transcriptional repressor; plus strand). Cytogenetic location: 1p36.13.
Variant type: single nucleotide variant.
Coding change: c.1674C>T on transcript NM_015001.3 (MANE Select); coding-DNA position 1674, C replaced by T.
Protein change: p.Leu558=; no amino-acid change (leucine 558 retained).
Molecular consequence: synonymous variant.
Genome position (GRCh38, 1-based): chr1:15,920,908, C>T. VCF-style: chr1-15920908-C-T. GRCh37 (hg19) VCF-style: chr1-16247403-C-T.
Identifiers: ClinVar variation 4873634 (VCV004873634.2).
Genomic context (GRCh38, chr1:15,920,908, plus strand): 5'-TTTTTGTTTGTTTGTTTTACAGGTGGTGTTTGACCGCTTAAAAGGCATGGCCCTGGTTCT[C>T]TACAATGAAATTGAATATGCACAAGCAGCTGTAAAAGAGACCAAAGGGAGGAAAATCGGT-3'
Protein context (NP_055816.2, residues 548-568): FDRLKGMALV[Leu558=]YNEIEYAQAA

ClinVar aggregate classification (germline): Likely benign (1 of 4 stars; one submission).

gnomAD v4.1: 27 of 1,612,976 alleles (0.0017%); highest among the groups gnomAD compares: Admixed American, 0.045%; no homozygotes.

Submission:

CeGaT Center for Human Genetics Tuebingen
Classification: Likely benign. Last evaluated: 2026-07-01. Review status: criteria provided, single submitter. Criteria: CeGaT Center For Human Genetics Tuebingen Variant Classification Criteria Version 2. Collection method: clinical testing. Allele origin: germline. Affected: yes. Observed: 1 variant allele.
Comment: SPEN: BP4, BP7